The following is an entry in ClinVar:

NM_001363711.2(DUOX2):c.4268A>G (p.Gln1423Arg)

Gene: DUOX2 (dual oxidase 2; minus strand). Cytogenetic location: 15q21.1.
Variant type: single nucleotide variant.
Coding change: c.4268A>G on transcript NM_001363711.2 (MANE Select); coding-DNA position 4268, A replaced by G.
Protein change: p.Gln1423Arg; replaces glutamine 1423 with arginine.
Molecular consequence: missense variant.
Genome position (GRCh38, 1-based): chr15:45,095,063, T>C on the plus strand (A>G on the coding strand, the complement: DUOX2 is on the minus strand). VCF-style: chr15-45095063-T-C. GRCh37 (hg19) VCF-style: chr15-45387261-T-C.
Other names: c.4268A>G, p.Gln1423Arg (NM_014080.5); c.4268A>G (NM_014080.4); short protein forms Q1423R.
Identifiers: ClinVar variation 1990456 (VCV001990456.4), dbSNP rs372728124, ClinGen allele CA270117009.

ClinVar aggregate classification (germline): Uncertain significance. Review status: criteria provided, multiple submitters, no conflicts (2 of 4 stars). 2 submissions from 2 submitters: Uncertain significance (2). Last evaluated 2025-03-12.

Allele frequency attached by ClinVar (database versions not stated): gnomAD exomes 0.00002; gnomAD 0.00003; TOPMed 0.00003; ESP Exome Variant Server 0.00008.
gnomAD v4.1: 29 of 1,613,924 alleles (0.0018%); highest among the groups gnomAD compares: Non-Finnish European, 0.0024%; no homozygotes.

Submissions (2):

GeneDx
Classification: Uncertain significance. Last evaluated: 2025-03-12. Review status: criteria provided, single submitter. Criteria: GeneDx Variant Classification Process June 2021. Collection method: clinical testing. Allele origin: germline. Affected: yes.
Comment: In silico analysis supports that this missense variant has a deleterious effect on protein structure/function; Has not been previously published as pathogenic or benign to our knowledge

Labcorp Genetics (formerly Invitae), Labcorp
Classification: Uncertain significance. Last evaluated: 2024-12-04. Review status: criteria provided, single submitter. Criteria: Invitae Variant Classification Sherloc (09022015). Collection method: clinical testing. Allele origin: germline.
Comment: This sequence change replaces glutamine, which is neutral and polar, with arginine, which is basic and polar, at codon 1423 of the DUOX2 protein (p.Gln1423Arg). This variant is present in population databases (rs372728124, gnomAD 0.007%). This variant has not been reported in the literature in individuals affected with DUOX2-related conditions. ClinVar contains an entry for this variant (Variation ID: 1990456). Invitae Evidence Modeling of protein sequence and biophysical properties (such as structural, functional, and spatial information, amino acid conservation, physicochemical variation, residue mobility, and thermodynamic stability) indicates that this missense variant is expected to disrupt DUOX2 protein function with a positive predictive value of 95%. In summary, the available evidence is currently insufficient to determine the role of this variant in disease. Therefore, it has been classified as a Variant of Uncertain Significance.